The following is an entry in ClinVar:

NM_032447.5(FBN3):c.4189G>A (p.Glu1397Lys)

Gene: FBN3 (fibrillin 3; minus strand). Cytogenetic location: 19p13.2.
Variant type: single nucleotide variant.
Coding change: c.4189G>A on transcript NM_032447.5 (MANE Select); coding-DNA position 4189, G replaced by A.
Protein change: p.Glu1397Lys; replaces glutamic acid 1397 with lysine.
Molecular consequence: missense variant.
Genome position (GRCh38, 1-based): chr19:8,111,079, C>T on the plus strand (G>A on the coding strand, the complement: FBN3 is on the minus strand). VCF-style: chr19-8111079-C-T. GRCh37 (hg19) VCF-style: chr19-8175963-C-T.
Other names: c.4189G>A, p.Glu1397Lys (NM_001321431.2); short protein forms E1397K.
Identifiers: ClinVar variation 3725985 (VCV003725985.2).
Genomic context (GRCh38, chr19:8,111,079, plus strand): 5'-TACCCACTCTGTCCTCTGCCCTGGCGGGCCCAACCTTACCCTGGCAGGCCCGGTGGTCCT[C>T]GGTGGGGTCAAAGCCCATCTCACATTCACAGCGGTACCCGCCGGGCGCATTGAGGCACTG-3'
Protein context (NP_115823.3, residues 1387-1407): CECEMGFDPT[Glu1397Lys]DHRACQDVDE

ClinVar aggregate classification (germline): Uncertain significance (1 of 4 stars; one submission).

gnomAD v4.1: 2 of 1,613,238 alleles (0.00012%); highest among the groups gnomAD compares: African/African-American, 0.0013%; no homozygotes.

Submission:

Labcorp Genetics (formerly Invitae), Labcorp
Classification: Uncertain significance. Last evaluated: 2024-03-04. Review status: criteria provided, single submitter. Criteria: Invitae Variant Classification Sherloc (09022015). Collection method: clinical testing. Allele origin: germline.
Comment: This sequence change replaces glutamic acid, which is acidic and polar, with lysine, which is basic and polar, at codon 1397 of the FBN3 protein (p.Glu1397Lys). The frequency data for this variant in the population databases is considered unreliable, as metrics indicate poor data quality at this position in the gnomAD database. This variant has not been reported in the literature in individuals affected with FBN3-related conditions. Advanced modeling of protein sequence and biophysical properties (such as structural, functional, and spatial information, amino acid conservation, physicochemical variation, residue mobility, and thermodynamic stability) performed at Invitae indicates that this missense variant is not expected to disrupt FBN3 protein function with a negative predictive value of 80%. In summary, the available evidence is currently insufficient to determine the role of this variant in disease. Therefore, it has been classified as a Variant of Uncertain Significance.